The following is an entry in ClinVar:

ClinVar aggregate classification (germline): Likely benign. Review status: criteria provided, multiple submitters, no conflicts (2 of 4 stars). 2 submissions from 2 submitters: Likely benign (2). Last evaluated 2024-05-17.

Conditions:
Familial cancer of breast. Also called: Hereditary breast cancer; BREAST CANCER, FAMILIAL; hereditary breast carcinoma. Identifiers: Orphanet 227535, MedGen C0346153, MONDO:0016419, OMIM 114480. Disease mechanism: loss of function.
Ataxia-telangiectasia syndrome (AT). Also called: Ataxia telangiectasia (A-T); Cerebello-oculocutaneous telangiectasia; Immunodeficiency with ataxia telangiectasia; AT, COMPLEMENTATION GROUP C; LOUIS-BAR SYNDROME; Ataxia-telangiectasia, complementation group E. Identifiers: Orphanet 100, MedGen C0004135, MONDO:0008840, OMIM 208900.

Allele frequency attached by ClinVar (database versions not stated): gnomAD exomes below 0.00001 and 0.00001; ExAC 0.00001.
gnomAD v4.1: 3 of 1,612,646 alleles (0.00019%); highest among the groups gnomAD compares: Non-Finnish European, 0.00025%; no homozygotes.

Submissions (2):

Myriad Genetics, Inc.
Classification: Likely benign for Familial cancer of breast. Last evaluated: 2024-05-17. Review status: criteria provided, single submitter. Criteria: Myriad Autosomal Dominant, Autosomal Recessive and X-Linked Classification Criteria (2023). Collection method: clinical testing. Allele origin: unknown.
Comment: This variant is considered likely benign. This variant is intronic and is not expected to impact mRNA splicing.

Labcorp Genetics (formerly Invitae), Labcorp
Classification: Likely benign for Ataxia-telangiectasia syndrome. Last evaluated: 2023-02-07. Review status: criteria provided, single submitter. Criteria: Invitae Variant Classification Sherloc (09022015). Collection method: clinical testing. Allele origin: germline.

NM_000051.4(ATM):c.4437-12T>C

Gene: ATM (ATM serine/threonine kinase; plus strand). Cytogenetic location: 11q22.3.
Variant type: single nucleotide variant.
Coding change: c.4437-12T>C on transcript NM_000051.4 (MANE Select); 12 bases into the intron before coding-DNA position 4437, T replaced by C.
Molecular consequence: intron variant.
Genome position (GRCh38, 1-based): chr11:108,292,607, T>C. VCF-style: chr11-108292607-T-C. GRCh37 (hg19) VCF-style: chr11-108163334-T-C.
Other names: c.4437-12T>C (NM_001351834.2).
Identifiers: ClinVar variation 1596940 (VCV001596940.8), dbSNP rs772888878, ClinGen allele CA6265472.
Genomic context (GRCh38, chr11:108,292,607, plus strand): 5'-TGAATGAATTTATTTCAGAGTAATTTTCCAGAACTTACTGGTTGTTGTTGTTTTTTTTTC[T>C]CCCTATATTAGGCCTTCTTGTATCATGGATGTGTCATTACGTAGCTTCTCCCTTTGTTGT-3'